The following is an entry in ClinVar:

ClinVar aggregate classification (germline): Uncertain significance. Review status: criteria provided, multiple submitters, no conflicts (2 of 4 stars). 2 submissions from 2 submitters: Uncertain significance (2). Last evaluated 2022-01-04.

Conditions:
Familial hypercholesterolemia. Also called: Familial hypercholesterolemias; Familial hypercholesterolaemia. Identifiers: MedGen C0020445, MONDO:0005439.
Hypercholesterolemia, autosomal dominant, 3 (FHCL3). Also called: PCSK9-Related Familial Hypercholesterolemia, Autosomal Dominant; Familial hypercholesterolemia 3; Familial Hypercholesterolemia, Autosomal Dominant, 3. Identifiers: MedGen C1863551, MONDO:0011369, OMIM 603776.

Submissions (2):

Color Diagnostics, LLC DBA Color Health
Classification: Uncertain significance for Familial hypercholesterolemia. Last evaluated: 2022-01-04. Review status: criteria provided, single submitter. Criteria: ACMG Guidelines, 2015. Collection method: clinical testing. Allele origin: germline.
Comment: This variant deletes a nucleotide in intron 5 of the PCSK9 gene. Splice site prediction tools predict that this variant may have a significant impact on RNA splicing. To our knowledge, functional studies have not been reported for this variant. This variant has not been reported in individuals affected with familial hypercholesterolemia in the literature. This variant has not been identified in the general population by the Genome Aggregation Database (gnomAD). The available evidence is insufficient to determine the role of this variant in disease conclusively. Therefore, this variant is classified as a Variant of Uncertain Significance.

Labcorp Genetics (formerly Invitae), Labcorp
Classification: Uncertain significance for Hypercholesterolemia, autosomal dominant, 3. Last evaluated: 2021-09-17. Review status: criteria provided, single submitter. Criteria: Invitae Variant Classification Sherloc (09022015). Collection method: clinical testing. Allele origin: germline.
Comment: In summary, the available evidence is currently insufficient to determine the role of this variant in disease. Therefore, it has been classified as a Variant of Uncertain Significance. Nucleotide substitutions within the consensus splice site are a relatively common cause of aberrant splicing (PMID: 17576681, 9536098). Algorithms developed to predict the effect of sequence changes on RNA splicing suggest that this variant may disrupt the consensus splice site, but this prediction has not been confirmed by published transcriptional studies. This variant has not been reported in the literature in individuals with PCSK9-related conditions. This variant is not present in population databases (ExAC no frequency). This sequence change falls in intron 5 of the PCSK9 gene. It does not directly change the encoded amino acid sequence of the PCSK9 protein. It affects a nucleotide within the consensus splice site of the intron.

Literature cited by the submitters: PubMed 17576681 (cited by Labcorp Genetics (formerly Invitae), Labcorp); PubMed 9536098 (cited by Labcorp Genetics (formerly Invitae), Labcorp).

NM_174936.4(PCSK9):c.799+5del

Gene: PCSK9 (proprotein convertase subtilisin/kexin type 9; plus strand). Cytogenetic location: 1p32.3.
Variant type: Deletion.
Coding change: c.799+5del on transcript NM_174936.4 (MANE Select); 5 bases into the intron after coding-DNA position 799, one base deleted (G; older notation c.799+5delG).
Molecular consequence: intron variant.
Genome position (GRCh38, 1-based): chr1:55,052,796, G deleted. VCF-style (leftmost placement, unchanged base first): chr1-55052795-AG-A. GRCh37 (hg19) VCF-style: chr1-55518468-AG-A.
Identifiers: ClinVar variation 1346212 (VCV001346212.6), dbSNP rs2100299786, ClinGen allele CA2573132429.